The following is an entry in ClinVar:

ClinVar aggregate classification (germline): Benign (0 of 4 stars; one submission).

Conditions:
DNMBP-related disorder. Also called: DNMBP-related condition.

Allele frequency attached by ClinVar (database versions not stated): 1000 Genomes Project 30x 0.01187; 1000 Genomes Project 0.01238; TOPMed 0.01328; gnomAD exomes 0.01819; ExAC 0.03330.
gnomAD v4.1: 11,835 of 687,158 alleles (1.7%); highest among the groups gnomAD compares: Middle Eastern, 6.6%; 187 homozygotes.

Submission:

PreventionGenetics, part of Exact Sciences
Classification: Benign for DNMBP-related condition. Last evaluated: 2019-09-30. Review status: no assertion criteria provided. Collection method: clinical testing. Allele origin: germline.
Comment: This variant is classified as benign based on ACMG/AMP sequence variant interpretation guidelines (Richards et al. 2015 PMID: 25741868, with internal and published modifications).

NM_015221.4(DNMBP):c.2261-20486G>A

Genes: DNMBP (dynamin binding protein; minus strand), DNMBP-AS1 (DNMBP antisense RNA 1; plus strand). Cytogenetic location: 10q24.2.
Variant type: single nucleotide variant.
Coding change: c.2261-20486G>A on transcript NM_015221.4 (MANE Select); 20486 bases into the intron before coding-DNA position 2261, G replaced by A.
Molecular consequence: intron variant. On other transcripts: missense variant (1).
Genome position (GRCh38, 1-based): chr10:99,929,632, C>T on the plus strand (G>A on the coding strand, the complement: DNMBP is on the minus strand). VCF-style: chr10-99929632-C-T. GRCh37 (hg19) VCF-style: chr10-101689389-C-T.
Other names: c.1132G>A, p.Val378Met (NM_001318326.2); short protein forms V378M.
Identifiers: ClinVar variation 3041475 (VCV003041475.2), dbSNP rs141253564, ClinGen allele CA5644982.